The following is an entry in ClinVar:

ClinVar aggregate classification (germline): Uncertain significance. Review status: criteria provided, multiple submitters, no conflicts (2 of 4 stars). 2 submissions from 2 submitters: Uncertain significance (2). Last evaluated 2026-06-01.

Allele frequency attached by ClinVar (database versions not stated): gnomAD exomes below 0.00001.
gnomAD v4.1: 1 of 1,614,218 alleles (0.000062%); highest among the groups gnomAD compares: Non-Finnish European, 0.000085%; no homozygotes.

Submissions (2):

CeGaT Center for Human Genetics Tuebingen
Classification: Uncertain significance. Last evaluated: 2026-06-01. Review status: criteria provided, single submitter. Criteria: CeGaT Center For Human Genetics Tuebingen Variant Classification Criteria Version 2. Collection method: clinical testing. Allele origin: germline. Affected: yes. Observed: 1 variant allele.
Comment: TRIO: PM2, PP2

GeneDx
Classification: Uncertain significance. Last evaluated: 2020-02-13. Review status: criteria provided, single submitter. Criteria: GeneDx Variant Classification Process June 2021. Collection method: clinical testing. Allele origin: germline. Affected: yes.
Comment: Not observed at a significant frequency in large population cohorts (Lek et al., 2016); In silico analysis supports that this missense variant does not alter protein structure/function; Has not been previously published as pathogenic or benign to our knowledge

NM_007118.4(TRIO):c.1630G>T (p.Val544Leu)

Gene: TRIO (trio Rho guanine nucleotide exchange factor; plus strand). Cytogenetic location: 5p15.2.
Variant type: single nucleotide variant.
Coding change: c.1630G>T on transcript NM_007118.4 (MANE Select); coding-DNA position 1630, G replaced by T.
Protein change: p.Val544Leu; replaces valine 544 with leucine.
Molecular consequence: missense variant. On other transcripts: non-coding transcript variant (1).
Genome position (GRCh38, 1-based): chr5:14,316,642, G>T. VCF-style: chr5-14316642-G-T. GRCh37 (hg19) VCF-style: chr5-14316751-G-T.
Other names: short protein forms V544L.
Identifiers: ClinVar variation 1315411 (VCV001315411.4), dbSNP rs1315157839, ClinGen allele CA359227927.